The following is an entry in ClinVar:

ClinVar aggregate classification (germline): Conflicting classifications of pathogenicity. Review status: criteria provided, conflicting classifications (1 of 4 stars). 5 submissions from 5 submitters: Pathogenic (1); Likely pathogenic (2); Uncertain significance (2). Last evaluated 2025-09-03.

Allele frequency attached by ClinVar (database versions not stated): TOPMed below 0.00001; gnomAD 0.00001; gnomAD exomes 0.00001.
gnomAD v4.1: 9 of 1,613,986 alleles (0.00056%); highest among the groups gnomAD compares: Non-Finnish European, 0.00076%; no homozygotes.

Submissions (5):

Labcorp Genetics (formerly Invitae), Labcorp
Classification: Uncertain significance. Last evaluated: 2025-09-03. Review status: criteria provided, single submitter. Criteria: Invitae Variant Classification Sherloc (09022015). Collection method: clinical testing. Allele origin: germline.
Comment: This sequence change replaces cysteine, which is neutral and slightly polar, with tyrosine, which is neutral and polar, at codon 1119 of the NOTCH3 protein (p.Cys1119Tyr). This variant is present in population databases (no rsID available, gnomAD 0.002%). This missense change has been observed in individual(s) with clinical feature of cerebral arteriopathy with subcortical infarcts and leukoencephalopathy and/or clinical features of cerebral arteriopathy with subcortical infarcts and leukoencephalopathy (PMID: 24139282, 31719132, 31915071; internal data). ClinVar contains an entry for this variant (Variation ID: 447834). Invitae Evidence Modeling of protein sequence and biophysical properties (such as structural, functional, and spatial information, amino acid conservation, physicochemical variation, residue mobility, and thermodynamic stability) indicates that this missense variant is expected to disrupt NOTCH3 protein function with a positive predictive value of 95%. In summary, the available evidence is currently insufficient to determine the role of this variant in disease. Therefore, it has been classified as a Variant of Uncertain Significance.

ARUP Laboratories, Molecular Genetics and Genomics, ARUP Laboratories
Classification: Likely pathogenic. Last evaluated: 2025-06-13. Review status: criteria provided, single submitter. Criteria: ARUP Molecular Germline Variant Investigation Process 2024. Collection method: clinical testing. Allele origin: germline.
Comment: The NOTCH3 c.3356G>A; p.Cys1119Tyr variant (rs1266914122, ClinVar Variation ID: 447834) is reported in the literature in at least two individuals affected with CADASIL (Dunn 2020, Kim 2014). This variant is reported in ClinVar (Variation ID: 447834), and is only observed on two alleles in the Genome Aggregation Database (v2.1.1), indicating it is not a common polymorphism. Computational analyses predict that this variant is deleterious (REVEL: 0.905). Most pathogenic NOTCH3 variants occur in exons 2-24 and either create or destroy a cysteine residue within an EGF-like domain (Rutten 2014). Based on available information, this variant is considered to be likely pathogenic. References: Dunn PJ et al. Investigating diagnostic sequencing techniques for CADASIL diagnosis. Hum Genomics. 2020 Jan 8;14(1):2. PMID: 31915071. Kim YE et al. Spectrum of NOTCH3 mutations in Korean patients with clinically suspicious cerebral autosomal dominant arteriopathy with subcortical infarcts and leukoencephalopathy. Neurobiol Aging. 2014 Mar;35(3):726.e1-6. PMID: 24139282. Rutten JW et al. Interpretation of NOTCH3 mutations in the diagnosis of CADASIL. Expert Rev Mol Diagn. 2014 Jun;14(5):593-603. PMID: 24844136.

Women's Health and Genetics/Laboratory Corporation of America, LabCorp
Classification: Uncertain significance. Last evaluated: 2025-06-09. Review status: criteria provided, single submitter. Criteria: LabCorp Variant Classification Summary - May 2015. Collection method: clinical testing. Allele origin: germline.
Comment: Variant summary: NOTCH3 c.3356G>A (p.Cys1119Tyr) results in a non-conservative amino acid change in the encoded protein sequence. Algorithms developed to predict the effect of missense changes on protein structure and function all suggest that this variant is likely to be disruptive. The variant allele was found at a frequency of 8e-06 in 251264 control chromosomes. c.3356G>A has been observed in individual(s) affected with Cerebral arteriopathy, autosomal dominant, with subcortical infarcts and leukoencephalopathy, type 1 (Kim_2014, Tan_2019). These data indicate that the variant may be associated with disease. To our knowledge, no experimental evidence demonstrating an impact on protein function has been reported. The following publications have been ascertained in the context of this evaluation (PMID: 24139282, 31719132). ClinVar contains an entry for this variant (Variation ID: 447834). Based on the evidence outlined above, the variant was classified as VUS-possibly pathogenic.

Mayo Clinic Laboratories, Mayo Clinic
Classification: Likely pathogenic. Last evaluated: 2023-06-13. Review status: criteria provided, single submitter. Criteria: ACMG Guidelines, 2015. Collection method: clinical testing. Allele origin: germline. Observed: 1 variant allele.
Comment: PP2, PP3, PP4, PM1, PS4_supporting

Athena Diagnostics
Classification: Pathogenic. Last evaluated: 2020-08-12. Review status: criteria provided, single submitter. Criteria: Athena Diagnostics Criteria. Collection method: clinical testing. Allele origin: unknown.
Comment: The frequency of this variant in the general population is consistent with pathogenicity. This variant has been identified in at least one individual with clinical features associated with this gene. This variant alters a critical location within the protein, and is expected to severely affect function and cause disease. Greater than 90% of pathogenic variants identified in NOTCH3 involve the gain or loss of a cysteine residue within the epidermal growth factor (EGF)-like repeat domain.

Literature cited by the submitters: PubMed 24139282 (cited by 4 submitters); PubMed 31719132 (cited by 4 submitters); PubMed 31915071 (cited by Labcorp Genetics (formerly Invitae), Labcorp and Mayo Clinic Laboratories, Mayo Clinic); PubMed 32732295 (cited by Mayo Clinic Laboratories, Mayo Clinic).

NM_000435.3(NOTCH3):c.3356G>A (p.Cys1119Tyr)

Gene: NOTCH3 (notch receptor 3; minus strand). Cytogenetic location: 19p13.12.
Variant type: single nucleotide variant.
Coding change: c.3356G>A on transcript NM_000435.3 (MANE Select); coding-DNA position 3356, G replaced by A.
Protein change: p.Cys1119Tyr; replaces cysteine 1119 with tyrosine.
Molecular consequence: missense variant.
Genome position (GRCh38, 1-based): chr19:15,179,468, C>T on the plus strand (G>A on the coding strand, the complement: NOTCH3 is on the minus strand). VCF-style: chr19-15179468-C-T. GRCh37 (hg19) VCF-style: chr19-15290279-C-T.
Other names: short protein forms C1119Y.
Identifiers: ClinVar variation 447834 (VCV000447834.15), dbSNP rs1266914122, ClinGen allele CA404512422.